The following is an entry in ClinVar:

NM_005581.5(BCAM):c.666C>G (p.Leu222=)

Gene: BCAM (basal cell adhesion molecule (Lutheran blood group); plus strand). Cytogenetic location: 19q13.32.
Variant type: single nucleotide variant.
Coding change: c.666C>G on transcript NM_005581.5 (MANE Select); coding-DNA position 666, C replaced by G.
Protein change: p.Leu222=; no amino-acid change (leucine 222 retained).
Molecular consequence: synonymous variant.
Genome position (GRCh38, 1-based): chr19:44,813,502, C>G. VCF-style: chr19-44813502-C-G. GRCh37 (hg19) VCF-style: chr19-45316759-C-G.
Other names: c.666C>G, p.Leu222= (NM_001013257.2).
Identifiers: ClinVar variation 2650086 (VCV002650086.24), dbSNP rs775892256, ClinGen allele CA9504490.
Genomic context (GRCh38, chr19:44,813,502, plus strand): 5'-CTACATGACCAGCCGCACGGTCCGGGAGGCCTCGGGCCTGCTCTCCCTCACCAGCACCCT[C>G]TACCTGCGGCTCCGCAAGGATGACCGAGACGCCAGCTTCCACTGCGCCGCCCACTACAGC-3'
Protein context (NP_005572.2, residues 212-232): ASGLLSLTST[Leu222=]YLRLRKDDRD

ClinVar aggregate classification (germline): Likely benign (1 of 4 stars; one submission).

Allele frequency attached by ClinVar (database versions not stated): ExAC 0.00001; TOPMed 0.00002; gnomAD 0.00003.
gnomAD v4.1: 14 of 1,612,598 alleles (0.00087%); highest among the groups gnomAD compares: Non-Finnish European, 0.0012%; no homozygotes.

Submission:

CeGaT Center for Human Genetics Tuebingen
Classification: Likely benign. Last evaluated: 2022-07-01. Review status: criteria provided, single submitter. Criteria: CeGaT Center For Human Genetics Tuebingen Variant Classification Criteria Version 2. Collection method: clinical testing. Allele origin: germline. Affected: yes. Observed: 1 variant allele.
Comment: BCAM: BP4, BP7